The following is an entry in ClinVar:

NM_002691.4(POLD1):c.1776-57G>A

Gene: POLD1 (DNA polymerase delta 1, catalytic subunit; plus strand). Cytogenetic location: 19q13.33.
Variant type: single nucleotide variant.
Coding change: c.1776-57G>A on transcript NM_002691.4 (MANE Select); 57 bases into the intron before coding-DNA position 1776, G replaced by A.
Molecular consequence: intron variant. On other transcripts: synonymous variant (1).
Genome position (GRCh38, 1-based): chr19:50,408,728, G>A. VCF-style: chr19-50408728-G-A. GRCh37 (hg19) VCF-style: chr19-50911985-G-A.
Other names: c.1797G>A, p.Ala599= (NM_001308632.1); c.1776-57G>A (NM_001256849.1).
Identifiers: ClinVar variation 2650329 (VCV002650329.26), dbSNP rs537175718, ClinGen allele CA9596269.

ClinVar aggregate classification (germline): Likely benign. Review status: criteria provided, multiple submitters, no conflicts (2 of 4 stars). 3 submissions from 3 submitters: Likely benign (3). Last evaluated 2025-02-16.

Allele frequency attached by ClinVar (database versions not stated): gnomAD 0.00085; 1000 Genomes Project 0.00020; ExAC 0.00028; 1000 Genomes Project 30x 0.00031; TOPMed 0.00065.
gnomAD v4.1: 370 of 1,598,302 alleles (0.023%); highest among the groups gnomAD compares: African/African-American, 0.23%; 1 homozygote.

Submissions (3):

Laboratory of Genetics, Children's Clinical University Hospital Latvia
Classification: Likely benign. Last evaluated: 2025-02-16. Review status: criteria provided, single submitter. Criteria: ACMG Guidelines, 2015. Collection method: clinical testing. Allele origin: germline. Affected: yes.

Blueprint Genetics
Classification: Likely benign. Last evaluated: 2024-11-14. Review status: criteria provided, single submitter. Criteria: ACMG Guidelines, 2015. Collection method: clinical testing. Allele origin: germline.

CeGaT Center for Human Genetics Tuebingen
Classification: Likely benign. Last evaluated: 2022-11-01. Review status: criteria provided, single submitter. Criteria: CeGaT Center For Human Genetics Tuebingen Variant Classification Criteria Version 2. Collection method: clinical testing. Allele origin: germline. Affected: yes. Observed: 1 variant allele.
Comment: POLD1: BP4, BP7